The following is an entry in ClinVar:

ClinVar aggregate classification (germline): Uncertain significance. Review status: criteria provided, multiple submitters, no conflicts (2 of 4 stars). 2 submissions from 2 submitters: Uncertain significance (2). Last evaluated 2022-10-14.

Conditions:
Hereditary cancer-predisposing syndrome. Also called: Hereditary neoplastic syndrome; Neoplastic Syndromes, Hereditary; Tumor predisposition; Hereditary Cancer Syndrome. Identifiers: Orphanet 140162, MedGen C0027672, MeSH D009386, MONDO:0015356.
Ataxia-telangiectasia syndrome (AT). Also called: Ataxia telangiectasia (A-T); LOUIS-BAR SYNDROME; Cerebello-oculocutaneous telangiectasia; Immunodeficiency with ataxia telangiectasia; Ataxia-telangiectasia, complementation group D; AT, COMPLEMENTATION GROUP C. Identifiers: Orphanet 100, MedGen C0004135, MONDO:0008840, OMIM 208900.

Allele frequency attached by ClinVar (database versions not stated): gnomAD exomes below 0.00001; TOPMed below 0.00001; gnomAD 0.00001.
gnomAD v4.1: 2 of 1,613,986 alleles (0.00012%); highest among the groups gnomAD compares: African/African-American, 0.0027%; no homozygotes.

Submissions (2):

Labcorp Genetics (formerly Invitae), Labcorp
Classification: Uncertain significance for Ataxia-telangiectasia syndrome. Last evaluated: 2022-10-14. Review status: criteria provided, single submitter. Criteria: Invitae Variant Classification Sherloc (09022015). Collection method: clinical testing. Allele origin: germline.
Comment: This sequence change replaces phenylalanine, which is neutral and non-polar, with leucine, which is neutral and non-polar, at codon 2571 of the ATM protein (p.Phe2571Leu). This variant is present in population databases (no rsID available, gnomAD 0.007%). This variant has not been reported in the literature in individuals affected with ATM-related conditions. Algorithms developed to predict the effect of missense changes on protein structure and function output the following: SIFT: "Tolerated"; PolyPhen-2: "Benign"; Align-GVGD: "Class C0". The leucine amino acid residue is found in multiple mammalian species, which suggests that this missense change does not adversely affect protein function. In summary, the available evidence is currently insufficient to determine the role of this variant in disease. Therefore, it has been classified as a Variant of Uncertain Significance.

Ambry Genetics
Classification: Uncertain significance for Hereditary cancer-predisposing syndrome. Last evaluated: 2021-07-16. Review status: criteria provided, single submitter. Criteria: Ambry Variant Classification Scheme 2023. Collection method: clinical testing. Allele origin: germline.
Comment: The p.F2571L variant (also known as c.7711T>C), located in coding exon 51 of the ATM gene, results from a T to C substitution at nucleotide position 7711. The phenylalanine at codon 2571 is replaced by leucine, an amino acid with highly similar properties. This amino acid position is not well conserved in available vertebrate species. In addition, this alteration is predicted to be tolerated by in silico analysis. Since supporting evidence is limited at this time, the clinical significance of this alteration remains unclear.

Literature cited by the submitters: PubMed 26689913 (cited by Ambry Genetics).

NM_000051.4(ATM):c.7711T>C (p.Phe2571Leu)

Genes: ATM (ATM serine/threonine kinase; plus strand), C11orf65 (chromosome 11 open reading frame 65; minus strand). Cytogenetic location: 11q22.3.
Variant type: single nucleotide variant.
Coding change: c.7711T>C on transcript NM_000051.4 (MANE Select); coding-DNA position 7711, T replaced by C.
Protein change: p.Phe2571Leu; replaces phenylalanine 2571 with leucine.
Molecular consequence: missense variant. On other transcripts: intron variant (2).
Genome position (GRCh38, 1-based): chr11:108,331,960, T>C. VCF-style: chr11-108331960-T-C. GRCh37 (hg19) VCF-style: chr11-108202687-T-C.
Other names: c.7711T>C, p.Phe2571Leu (NM_001351834.2); c.641-22889A>G (NM_001330368.2); c.*38+3260A>G (NM_001351110.2); short protein forms F2571L.
Identifiers: ClinVar variation 1721591 (VCV001721591.8), dbSNP rs1248803396, ClinGen allele CA382561061.